The following is an entry in ClinVar:

NM_001079843.3(CASZ1):c.4235T>G (p.Phe1412Cys)

Gene: CASZ1 (castor zinc finger 1; minus strand). Cytogenetic location: 1p36.22.
Variant type: single nucleotide variant.
Coding change: c.4235T>G on transcript NM_001079843.3 (MANE Select); coding-DNA position 4235, T replaced by G.
Protein change: p.Phe1412Cys; replaces phenylalanine 1412 with cysteine.
Molecular consequence: missense variant.
Genome position (GRCh38, 1-based): chr1:10,639,987, A>C on the plus strand (T>G on the coding strand, the complement: CASZ1 is on the minus strand). VCF-style: chr1-10639987-A-C. GRCh37 (hg19) VCF-style: chr1-10700044-A-C.
Other names: short protein forms F1412C.
Identifiers: ClinVar variation 1599392 (VCV001599392.17), dbSNP rs181557754, ClinGen allele CA584202.

ClinVar aggregate classification (germline): Benign/Likely benign. Review status: criteria provided, multiple submitters, no conflicts (2 of 4 stars). 3 submissions from 3 submitters: Benign (1); Likely benign (2). Last evaluated 2026-01-14.

Allele frequency attached by ClinVar (database versions not stated): 1000 Genomes Project 30x 0.00031; 1000 Genomes Project 0.00040; TOPMed 0.00097; gnomAD exomes 0.00139 and 0.00176; ExAC 0.00156; ESP Exome Variant Server 0.00160; gnomAD 0.00187 and 0.00195.
gnomAD v4.1: 2,317 of 1,612,702 alleles (0.14%); highest among the groups gnomAD compares: Non-Finnish European, 0.14%; 5 homozygotes.

Submissions (3):

Labcorp Genetics (formerly Invitae), Labcorp
Classification: Benign. Last evaluated: 2026-01-14. Review status: criteria provided, single submitter. Criteria: Invitae Variant Classification Sherloc (09022015). Collection method: clinical testing. Allele origin: germline.

CeGaT Center for Human Genetics Tuebingen
Classification: Likely benign. Last evaluated: 2025-08-01. Review status: criteria provided, single submitter. Criteria: CeGaT Center For Human Genetics Tuebingen Variant Classification Criteria Version 2. Collection method: clinical testing. Allele origin: germline. Affected: yes. Observed: 1 variant allele.
Comment: CASZ1: BS1

Blueprint Genetics
Classification: Likely benign. Last evaluated: 2024-11-21. Review status: criteria provided, single submitter. Criteria: ACMG Guidelines, 2015. Collection method: clinical testing. Allele origin: germline.